The following is an entry in ClinVar:

ClinVar aggregate classification (germline): Likely pathogenic. Review status: criteria provided, multiple submitters, no conflicts (2 of 4 stars). 4 submissions from 4 submitters: Likely pathogenic (4). Last evaluated 2025-09-02.

Conditions:
3-methylcrotonyl-CoA carboxylase 1 deficiency (MCC1D). Also called: MCCD TYPE 1; METHYLCROTONYLGLYCINURIA TYPE I; MCC 1 deficiency; 3 Alpha methylcrotonylglycinuria 1. Identifiers: Orphanet 6, MedGen CN028786, MONDO:0008861, OMIM 210200.

Submissions (4):

First Genomix Gene Laboratory, Genetic Diagnostics Department
Classification: Likely pathogenic for 3-methylcrotonyl-CoA carboxylase 1 deficiency. Last evaluated: 2025-09-02. Review status: criteria provided, single submitter. Criteria: ACMG Guidelines, 2015. Collection method: clinical testing. Allele origin: germline. Inheritance: Autosomal recessive inheritance. Affected: no. Observed: 1 variant allele.

Fulgent Genetics
Classification: Likely pathogenic for 3-methylcrotonyl-CoA carboxylase 1 deficiency. Last evaluated: 2024-05-08. Review status: criteria provided, single submitter. Criteria: ACMG Guidelines, 2015. Collection method: clinical testing. Allele origin: germline.

Baylor Genetics
Classification: Likely pathogenic for 3-methylcrotonyl-CoA carboxylase 1 deficiency. Last evaluated: 2024-02-14. Review status: criteria provided, single submitter. Criteria: ACMG Guidelines, 2015. Collection method: clinical testing. Allele origin: unknown.

Labcorp Genetics (formerly Invitae), Labcorp
Classification: Likely pathogenic for 3-methylcrotonyl-CoA carboxylase 1 deficiency. Last evaluated: 2022-05-28. Review status: criteria provided, single submitter. Criteria: Invitae Variant Classification Sherloc (09022015). Collection method: clinical testing. Allele origin: germline.
Comment: This sequence change affects a donor splice site in intron 7 of the MCCC1 gene. It is expected to disrupt RNA splicing. Variants that disrupt the donor or acceptor splice site typically lead to a loss of protein function (PMID: 16199547), and loss-of-function variants in MCCC1 are known to be pathogenic (PMID: 11181649, 15359379, 22642865). This variant is not present in population databases (gnomAD no frequency). Disruption of this splice site has been observed in individual(s) with clinical features of 3 methylcrotonyl-CoA carboxylase deficiency (Invitae). Algorithms developed to predict the effect of sequence changes on RNA splicing suggest that this variant may disrupt the consensus splice site. In summary, the currently available evidence indicates that the variant is pathogenic, but additional data are needed to prove that conclusively. Therefore, this variant has been classified as Likely Pathogenic.

Literature cited by the submitters: PubMed 16199547 (cited by Labcorp Genetics (formerly Invitae), Labcorp); PubMed 11181649 (cited by Labcorp Genetics (formerly Invitae), Labcorp); PubMed 15359379 (cited by Labcorp Genetics (formerly Invitae), Labcorp); PubMed 22642865 (cited by Labcorp Genetics (formerly Invitae), Labcorp).

NM_020166.5(MCCC1):c.761+1G>A

Gene: MCCC1 (methylcrotonyl-CoA carboxylase subunit 1; minus strand). Cytogenetic location: 3q27.1.
Variant type: single nucleotide variant.
Coding change: c.761+1G>A on transcript NM_020166.5 (MANE Select); the canonical splice donor site of the intron after coding-DNA position 761, G replaced by A.
Molecular consequence: splice donor variant.
Genome position (GRCh38, 1-based): chr3:183,070,998, C>T on the plus strand (G>A on the coding strand, the complement: MCCC1 is on the minus strand). VCF-style: chr3-183070998-C-T. GRCh37 (hg19) VCF-style: chr3-182788786-C-T.
Other names: c.434+1G>A (NM_001363880.1); c.410+1G>A (NM_001293273.2).
Identifiers: ClinVar variation 2074545 (VCV002074545.6), dbSNP rs1577328073, ClinGen allele CA355328990.